The following is an entry in ClinVar:

ClinVar aggregate classification (germline): Uncertain significance. Review status: criteria provided, multiple submitters, no conflicts (2 of 4 stars). 6 submissions from 6 submitters: Uncertain significance (5). 1 of the submissions does not count toward it. Last evaluated 2024-03-29.

Conditions:
Qualitative or quantitative defects of beta-sarcoglycan. Identifiers: Orphanet 207063, MedGen C2930900, MONDO:0016142.
Autosomal recessive limb-girdle muscular dystrophy type 2E (LGMDR4). Also called: MUSCULAR DYSTROPHY, LIMB-GIRDLE, AUTOSOMAL RECESSIVE 4. Identifiers: Orphanet 119, MedGen C1858593, MONDO:0011423, OMIM 604286. Disease mechanism: Affects gamma-sarcoglycan and also disrupts the integrity of the entire sarcoglycan complex..

Allele frequency attached by ClinVar (database versions not stated): ExAC 0.00002; gnomAD exomes 0.00003; ESP Exome Variant Server 0.00008.

Submissions (6):

Genomic Medicine Center of Excellence, King Faisal Specialist Hospital and Research Centre
Classification: Uncertain significance for Autosomal recessive limb-girdle muscular dystrophy type 2E. Last evaluated: 2024-03-29. Review status: criteria provided, single submitter. Criteria: ACMG Guidelines, 2015. Collection method: clinical testing. Allele origin: germline.

Labcorp Genetics (formerly Invitae), Labcorp
Classification: Uncertain significance for Autosomal recessive limb-girdle muscular dystrophy type 2E. Last evaluated: 2022-09-27. Review status: criteria provided, single submitter. Criteria: Invitae Variant Classification Sherloc (09022015). Collection method: clinical testing. Allele origin: germline.
Comment: This sequence change replaces alanine, which is neutral and non-polar, with valine, which is neutral and non-polar, at codon 251 of the SGCB protein (p.Ala251Val). This variant is present in population databases (rs146111013, gnomAD 0.02%). This variant has not been reported in the literature in individuals affected with SGCB-related conditions. ClinVar contains an entry for this variant (Variation ID: 498982). Algorithms developed to predict the effect of missense changes on protein structure and function are either unavailable or do not agree on the potential impact of this missense change (SIFT: "Deleterious"; PolyPhen-2: "Possibly Damaging"; Align-GVGD: "Class C0"). Algorithms developed to predict the effect of sequence changes on RNA splicing suggest that this variant may create or strengthen a splice site. In summary, the available evidence is currently insufficient to determine the role of this variant in disease. Therefore, it has been classified as a Variant of Uncertain Significance.

Department of Pathology and Laboratory Medicine, Sinai Health System
Classification: Uncertain significance for Autosomal recessive limb-girdle muscular dystrophy type 2E. Last evaluated: 2021-09-03. Review status: criteria provided, single submitter. Criteria: ACMG Guidelines, 2015. Collection method: research. Allele origin: germline.

Illumina Laboratory Services, Illumina
Classification: Uncertain significance for Qualitative or quantitative defects of beta-sarcoglycan. Last evaluated: 2017-04-28. Review status: criteria provided, single submitter. Criteria: ICSL Variant Classification Criteria 13 December 2019. Collection method: clinical testing. Allele origin: germline.

Eurofins Ntd Llc (ga)
Classification: Uncertain significance. Last evaluated: 2016-12-19. Review status: criteria provided, single submitter. Criteria: EGL Classification Definitions 2015. Collection method: clinical testing. Allele origin: germline. Observed: 1 variant allele, 1 heterozygote.

Natera, Inc.
Classification: Uncertain significance for Limb-girdle muscular dystrophy type 2E. Last evaluated: 2020-09-16. Review status: no assertion criteria provided. Collection method: clinical testing. Allele origin: germline. Not counted in ClinVar's aggregate classification.

NM_000232.5(SGCB):c.752C>T (p.Ala251Val)

Gene: SGCB (sarcoglycan beta; minus strand). Cytogenetic location: 4q12.
Variant type: single nucleotide variant.
Coding change: c.752C>T on transcript NM_000232.5 (MANE Select); coding-DNA position 752, C replaced by T.
Protein change: p.Ala251Val; replaces alanine 251 with valine.
Molecular consequence: missense variant.
Genome position (GRCh38, 1-based): chr4:52,027,969, G>A on the plus strand (C>T on the coding strand, the complement: SGCB is on the minus strand). VCF-style: chr4-52027969-G-A. GRCh37 (hg19) VCF-style: chr4-52894135-G-A.
Other names: short protein forms A251V.
Identifiers: ClinVar variation 498982 (VCV000498982.16), dbSNP rs146111013, ClinGen allele CA2918304.
Genomic context (GRCh38, chr4:52,027,969, plus strand): 5'-TATGGATTTATGTACCCAAGAACCTAATAATTCTCTTAAGCTCTTAAAAGAATACTCACC[G>A]CCTTTAACTCCATATTACCACCCATGTGAAATTCAATGGTTTTGCCCATAATGAATACAC-3'
Protein context (NP_000223.1, residues 241-261): FHMGGNMELK[Ala251Val]ENSIILNGSV